The following is an entry in ClinVar:

ClinVar aggregate classification (germline): Uncertain significance. Review status: criteria provided, multiple submitters, no conflicts (2 of 4 stars). 2 submissions from 2 submitters: Uncertain significance (2). Last evaluated 2022-08-05.

Allele frequency attached by ClinVar (database versions not stated): gnomAD exomes 0.00001; TOPMed 0.00001.
gnomAD v4.1: 4 of 1,614,156 alleles (0.00025%); highest among the groups gnomAD compares: Admixed American, 0.0033%; no homozygotes.

Submissions (2):

Labcorp Genetics (formerly Invitae), Labcorp
Classification: Uncertain significance. Last evaluated: 2022-08-05. Review status: criteria provided, single submitter. Criteria: Invitae Variant Classification Sherloc (09022015). Collection method: clinical testing. Allele origin: germline.
Comment: This sequence change replaces valine, which is neutral and non-polar, with aspartic acid, which is acidic and polar, at codon 4858 of the USH2A protein (p.Val4858Asp). This variant is present in population databases (no rsID available, gnomAD 0.006%). This variant has not been reported in the literature in individuals affected with USH2A-related conditions. Algorithms developed to predict the effect of missense changes on protein structure and function are either unavailable or do not agree on the potential impact of this missense change (SIFT: "Deleterious"; PolyPhen-2: "Probably Damaging"; Align-GVGD: "Class C15"). In summary, the available evidence is currently insufficient to determine the role of this variant in disease. Therefore, it has been classified as a Variant of Uncertain Significance.

Blueprint Genetics
Classification: Uncertain significance. Last evaluated: 2018-05-18. Review status: criteria provided, single submitter. Criteria: ACMG Guidelines, 2015. Collection method: clinical testing. Allele origin: germline.

NM_206933.4(USH2A):c.14573T>A (p.Val4858Asp)

Gene: USH2A (usherin; minus strand). Cytogenetic location: 1q41.
Variant type: single nucleotide variant.
Coding change: c.14573T>A on transcript NM_206933.4 (MANE Select); coding-DNA position 14573, T replaced by A.
Protein change: p.Val4858Asp; replaces valine 4858 with aspartic acid.
Molecular consequence: missense variant.
Genome position (GRCh38, 1-based): chr1:215,648,537, A>T on the plus strand (T>A on the coding strand, the complement: USH2A is on the minus strand). VCF-style: chr1-215648537-A-T. GRCh37 (hg19) VCF-style: chr1-215821879-A-T.
Other names: short protein forms V4858D.
Identifiers: ClinVar variation 2063721 (VCV002063721.2), dbSNP rs1414259659, ClinGen allele CA344833039.
Genomic context (GRCh38, chr1:215,648,537, plus strand): 5'-GTCTGTACACATGCCTTGTTAGTTTCTTCATCCTTCTGCCTGACCCATTACCTGTGAATG[A>T]CACCATTGGGGAACATGGGGGGACTCCACCGGAAGGAGGCCGTCCTTGAGGCCAGCGTCC-3'
Protein context (NP_996816.3, residues 4848-4868): RWSPPMFPNG[Val4858Asp]IHSYELQFHV